The following is an entry in ClinVar:

NM_001386393.1(PANK2):c.710T>C (p.Leu237Ser)

Gene: PANK2 (pantothenate kinase 2; plus strand). Cytogenetic location: 20p13.
Variant type: single nucleotide variant.
Coding change: c.710T>C on transcript NM_001386393.1 (MANE Select); coding-DNA position 710, T replaced by C.
Protein change: p.Leu237Ser; replaces leucine 237 with serine.
Molecular consequence: missense variant. On other transcripts: 5 prime UTR variant (1), non-coding transcript variant (1).
Genome position (GRCh38, 1-based): chr20:3,910,635, T>C. VCF-style: chr20-3910635-T-C. GRCh37 (hg19) VCF-style: chr20-3891282-T-C.
Other names: c.167T>C, p.Leu56Ser (NM_001324191.2, NM_024960.6, NM_153640.4); c.-269T>C (NM_001324193.2); c.1040T>C, p.Leu347Ser (NM_153638.4); short protein forms L237S, L56S, L347S.
Identifiers: ClinVar variation 2008128 (VCV002008128.4), dbSNP rs2515499321, ClinGen allele CA408114685.

ClinVar aggregate classification (germline): Uncertain significance (1 of 4 stars; one submission).

Conditions:
Pigmentary pallidal degeneration (NBIA1). Also called: PKAN NEUROAXONAL DYSTROPHY, JUVENILE-ONSET; Neuroaxonal dystrophy, late infantile; Hallervorden-Spatz disease; Neurodegeneration with brain iron accumulation 1; HARP SYNDROME; Pantothenate Kinase-Associated Neurodegeneration. Identifiers: Orphanet 157850, MedGen C0018523, MONDO:0009319, OMIM 234200.

Submission:

Labcorp Genetics (formerly Invitae), Labcorp
Classification: Uncertain significance for Pigmentary pallidal degeneration. Last evaluated: 2023-07-07. Review status: criteria provided, single submitter. Criteria: Invitae Variant Classification Sherloc (09022015). Collection method: clinical testing. Allele origin: germline.
Comment: This sequence change replaces leucine, which is neutral and non-polar, with serine, which is neutral and polar, at codon 347 of the PANK2 protein (p.Leu347Ser). This variant is not present in population databases (gnomAD no frequency). This variant has not been reported in the literature in individuals affected with PANK2-related conditions. ClinVar contains an entry for this variant (Variation ID: 2008128). Advanced modeling of protein sequence and biophysical properties (such as structural, functional, and spatial information, amino acid conservation, physicochemical variation, residue mobility, and thermodynamic stability) performed at Invitae indicates that this missense variant is expected to disrupt PANK2 protein function. In summary, the available evidence is currently insufficient to determine the role of this variant in disease. Therefore, it has been classified as a Variant of Uncertain Significance.